The following is an entry in ClinVar:

ClinVar aggregate classification (germline): Uncertain significance (1 of 4 stars; one submission).

Conditions:
Niemann-Pick disease, type C1. Also called: NIEMANN-PICK DISEASE, VARIANT TYPE C1; NEUROVISCERAL STORAGE DISEASE WITH VERTICAL SUPRANUCLEAR OPHTHALMOPLEGIA; NIEMANN-PICK DISEASE WITH CHOLESTEROL ESTERIFICATION BLOCK; NIEMANN-PICK DISEASE WITHOUT SPHINGOMYELINASE DEFICIENCY; NIEMANN-PICK DISEASE, CHRONIC NEURONOPATHIC FORM. Identifiers: Orphanet 646, MedGen C3179455, MONDO:0009757, OMIM 257220.

Submission:

Labcorp Genetics (formerly Invitae), Labcorp
Classification: Uncertain significance for Niemann-Pick disease, type C1. Last evaluated: 2020-07-23. Review status: criteria provided, single submitter. Criteria: Invitae Variant Classification Sherloc (09022015). Collection method: clinical testing. Allele origin: germline.
Comment: This variant results in a copy number gain of the genomic region encompassing the full coding sequence of the NPC1 gene. The boundaries of this event are unknown as they extend beyond the assayed region for this gene and therefore may encompass additional genes. As the precise location of this event is unknown, it may be in tandem or it may be located elsewhere in the genome. This variant has not been reported in the literature in individuals with NPC1-related conditions. Experimental studies and prediction algorithms are not available or were not evaluated, and the functional significance of this variant is currently unknown. In summary, the available evidence is currently insufficient to determine the role of this variant in disease. Therefore, it has been classified as a Variant of Uncertain Significance.

NC_000018.9:g.(?_21112146)_(21166327_?)dup

Gene: NPC1 (NPC intracellular cholesterol transporter 1; minus strand). Cytogenetic location: 18q11.2.
Variant type: Duplication.
Identifiers: ClinVar variation 1006779 (VCV001006779.1).